The following is an entry in ClinVar:

NM_000069.3(CACNA1S):c.165G>C (p.Thr55=)

Gene: CACNA1S (calcium voltage-gated channel subunit alpha1 S; minus strand). Cytogenetic location: 1q32.1.
Variant type: single nucleotide variant.
Coding change: c.165G>C on transcript NM_000069.3 (MANE Select); coding-DNA position 165, G replaced by C.
Protein change: p.Thr55=; no amino-acid change (threonine 55 retained).
Molecular consequence: synonymous variant.
Genome position (GRCh38, 1-based): chr1:201,110,257, C>G on the plus strand (G>C on the coding strand, the complement: CACNA1S is on the minus strand). VCF-style: chr1-201110257-C-G. GRCh37 (hg19) VCF-style: chr1-201079385-C-G.
Identifiers: ClinVar variation 1133145 (VCV001133145.10), dbSNP rs150520884, ClinGen allele CA422697488.

ClinVar aggregate classification (germline): Likely benign. Review status: criteria provided, multiple submitters, no conflicts (2 of 4 stars). 2 submissions from 2 submitters: Likely benign (2). Last evaluated 2025-07-30.

Conditions:
Hypokalemic periodic paralysis, type 1. Also called: HypoPP; Hypokalemic Periodic Paralysis Type 1 (AD). Identifiers: Orphanet 681, MedGen C3714580, MONDO:0042979, OMIM 170400.
Malignant hyperthermia, susceptibility to, 5 (MHS5). Also called: CACNA1S-Related Malignant Hyperthermia Susceptibility. Identifiers: Orphanet 423, MedGen C1866077, MONDO:0011163, OMIM 601887.

gnomAD v4.1: 2 of 1,614,200 alleles (0.00012%); highest among the groups gnomAD compares: Middle Eastern, 0.016%; no homozygotes.

Submissions (2):

Labcorp Genetics (formerly Invitae), Labcorp
Classification: Likely benign for Hypokalemic periodic paralysis, type 1; Malignant hyperthermia, susceptibility to, 5. Last evaluated: 2025-07-30. Review status: criteria provided, single submitter. Criteria: Invitae Variant Classification Sherloc (09022015). Collection method: clinical testing. Allele origin: germline.

All of Us Research Program, National Institutes of Health
Classification: Likely benign for Malignant hyperthermia, susceptibility to, 5. Last evaluated: 2023-08-15. Review status: criteria provided, single submitter. Criteria: ACMG Guidelines, 2015. Collection method: clinical testing. Allele origin: germline. Inheritance: Autosomal dominant inheritance. Observed: 1 variant allele, 1 heterozygote.
Comment: This study involves interpretation of variants in research participants for the purpose of population health screening. Participant phenotype was not available at the time of variant classification. Additional details can be found in publication PMID: 35346344, PMCID: PMC8962531